The following is an entry in ClinVar:

NM_001184880.2(PCDH19):c.3437T>C (p.Ile1146Thr)

Gene: PCDH19 (protocadherin 19; minus strand). Cytogenetic location: Xq22.1.
Variant type: single nucleotide variant.
Coding change: c.3437T>C on transcript NM_001184880.2 (MANE Select); coding-DNA position 3437, T replaced by C.
Protein change: p.Ile1146Thr; replaces isoleucine 1146 with threonine.
Molecular consequence: missense variant.
Genome position (GRCh38, 1-based): chrX:100,296,287, A>G on the plus strand (T>C on the coding strand, the complement: PCDH19 is on the minus strand). VCF-style: chrX-100296287-A-G. GRCh37 (hg19) VCF-style: chrX-99551285-A-G.
Other names: c.3296T>C, p.Ile1099Thr (NM_001105243.2); c.3293T>C, p.Ile1098Thr (NM_020766.3); short protein forms I1146T, I1098T, I1099T.
Identifiers: ClinVar variation 590086 (VCV000590086.15), dbSNP rs186554435, ClinGen allele CA10468624.

ClinVar aggregate classification (germline): Uncertain significance. Review status: criteria provided, multiple submitters, no conflicts (2 of 4 stars). 2 submissions from 2 submitters: Uncertain significance (2). Last evaluated 2025-08-13.

Conditions:
Developmental and epileptic encephalopathy, 9 (DEE9). Also called: EPILEPSY, FEMALE-RESTRICTED, WITH MENTAL RETARDATION; Early infantile epileptic encephalopathy 9; JUBERG-HELLMAN SYNDROME; PCDH19-Related X-Linked Female-Limited Epilepsy with Mental Retardation. Identifiers: Orphanet 101039, Orphanet 2076, MedGen C1848137, MONDO:0010246, OMIM 300088. Disease mechanism: loss of function.
Inborn genetic diseases. Identifiers: MedGen C0950123, MeSH D030342.

Allele frequency attached by ClinVar (database versions not stated): ESP Exome Variant Server 0.00010; 1000 Genomes Project 0.00026; 1000 Genomes Project 30x 0.00042; gnomAD exomes 0.00003 and 0.00005; ExAC 0.00006; TOPMed 0.00008; gnomAD 0.00009.
gnomAD v4.1: 61 of 1,204,443 alleles (0.0051%); highest among the groups gnomAD compares: African/African-American, 0.017%; no homozygotes.

Submissions (2):

Labcorp Genetics (formerly Invitae), Labcorp
Classification: Uncertain significance for Developmental and epileptic encephalopathy, 9. Last evaluated: 2025-08-13. Review status: criteria provided, single submitter. Criteria: Invitae Variant Classification Sherloc (09022015). Collection method: clinical testing. Allele origin: germline.
Comment: This sequence change replaces isoleucine, which is neutral and non-polar, with threonine, which is neutral and polar, at codon 1146 of the PCDH19 protein (p.Ile1146Thr). This variant is present in population databases (rs186554435, gnomAD 0.03%). This variant has not been reported in the literature in individuals affected with PCDH19-related conditions. ClinVar contains an entry for this variant (Variation ID: 590086). Invitae Evidence Modeling of protein sequence and biophysical properties (such as structural, functional, and spatial information, amino acid conservation, physicochemical variation, residue mobility, and thermodynamic stability) indicates that this missense variant is not expected to disrupt PCDH19 protein function with a negative predictive value of 95%. In summary, the available evidence is currently insufficient to determine the role of this variant in disease. Therefore, it has been classified as a Variant of Uncertain Significance.

Ambry Genetics
Classification: Uncertain significance for Inborn genetic diseases. Last evaluated: 2017-03-06. Review status: criteria provided, single submitter. Criteria: Ambry Variant Classification Scheme 2023. Collection method: clinical testing. Allele origin: germline.
Comment: The p.I1146T variant (also known as c.3437T>C), located in coding exon 6 of the PCDH19 gene, results from a T to C substitution at nucleotide position 3437. The isoleucine at codon 1146 is replaced by threonine, an amino acid with similar properties. This amino acid position is highly conserved in available vertebrate species. In addition, this alteration is predicted to be deleterious by in silico analysis. Since supporting evidence is limited at this time, the clinical significance of this alteration remains unclear.